The following is an entry in ClinVar:

ClinVar aggregate classification (germline): Uncertain significance (1 of 4 stars; one submission).

Conditions:
Aortic aneurysm, familial thoracic 6 (AAT6). Also called: FAMILIAL THORACIC AORTIC ANEURYSM WITH LIVEDO RETICULARIS AND IRIS FLOCCULI. Identifiers: MedGen C2673186, MONDO:0012730, OMIM 611788.

Submission:

Labcorp Genetics (formerly Invitae), Labcorp
Classification: Uncertain significance for Aortic aneurysm, familial thoracic 6. Last evaluated: 2022-03-12. Review status: criteria provided, single submitter. Criteria: Invitae Variant Classification Sherloc (09022015). Collection method: clinical testing. Allele origin: germline.
Comment: In summary, the available evidence is currently insufficient to determine the role of this variant in disease. Therefore, it has been classified as a Variant of Uncertain Significance. Advanced modeling of protein sequence and biophysical properties (such as structural, functional, and spatial information, amino acid conservation, physicochemical variation, residue mobility, and thermodynamic stability) performed at Invitae indicates that this missense variant is expected to disrupt ACTA2 protein function. This variant has not been reported in the literature in individuals affected with ACTA2-related conditions. This variant is not present in population databases (gnomAD no frequency). This sequence change replaces glutamic acid, which is acidic and polar, with glycine, which is neutral and non-polar, at codon 261 of the ACTA2 protein (p.Glu261Gly).

NM_001613.4(ACTA2):c.782A>G (p.Glu261Gly)

Genes: ACTA2-AS1 (ACTA2 antisense RNA 1; plus strand), ACTA2 (actin alpha 2, smooth muscle; minus strand). Cytogenetic location: 10q23.31.
Variant type: single nucleotide variant.
Coding change: c.782A>G on transcript NM_001613.4 (MANE Select); coding-DNA position 782, A replaced by G.
Protein change: p.Glu261Gly; replaces glutamic acid 261 with glycine.
Molecular consequence: missense variant. On other transcripts: non-coding transcript variant (1).
Genome position (GRCh38, 1-based): chr10:88,939,533, T>C on the plus strand (A>G on the coding strand, the complement: ACTA2 is on the minus strand). VCF-style: chr10-88939533-T-C. GRCh37 (hg19) VCF-style: chr10-90699290-T-C.
Other names: c.782A>G, p.Glu261Gly (NM_001141945.3, NM_001320855.2, NM_001406462.1 and 2 more transcripts); c.671A>G, p.Glu224Gly (NM_001406466.1); c.653A>G, p.Glu218Gly (NM_001406467.1, NM_001406468.1, NM_001406469.1); short protein forms E224G, E218G, E261G.
Identifiers: ClinVar variation 2110458 (VCV002110458.4), dbSNP rs1845809535, ClinGen allele CA377511190.
Genomic context (GRCh38, chr10:88,939,533, plus strand): 5'-TCCCCTTCCCAGGAAAAGGGCGTTTGTTGCCTACCGATGAAGGATGGCTGGAACAGGGTC[T>C]CTGGGCAGCGGAAACGTTCATTTCCGATGGTGATCACTTGCCCATCAGGCAACTCGTAAC-3'
Protein context (NP_001604.1, residues 251-271): TIGNERFRCP[Glu261Gly]TLFQPSFIGM